The following is an entry in ClinVar:

ClinVar aggregate classification (germline): Uncertain significance (1 of 4 stars; one submission).

Allele frequency attached by ClinVar (database versions not stated): ExAC 0.00001; gnomAD 0.00001.
gnomAD v4.1: 51 of 1,613,408 alleles (0.0032%); highest among the groups gnomAD compares: Middle Eastern, 0.033%; no homozygotes.

Submission:

Labcorp Genetics (formerly Invitae), Labcorp
Classification: Uncertain significance. Last evaluated: 2024-10-12. Review status: criteria provided, single submitter. Criteria: Invitae Variant Classification Sherloc (09022015). Collection method: clinical testing. Allele origin: germline.
Comment: This sequence change replaces arginine, which is basic and polar, with glutamine, which is neutral and polar, at codon 450 of the TNFRSF11A protein (p.Arg450Gln). This variant is present in population databases (rs760995590, gnomAD 0.01%). This variant has not been reported in the literature in individuals affected with TNFRSF11A-related conditions. ClinVar contains an entry for this variant (Variation ID: 2168845). An algorithm developed to predict the effect of missense changes on protein structure and function outputs the following: PolyPhen-2: "Benign". The glutamine amino acid residue is found in multiple mammalian species, which suggests that this missense change does not adversely affect protein function. In summary, the available evidence is currently insufficient to determine the role of this variant in disease. Therefore, it has been classified as a Variant of Uncertain Significance.

NM_003839.4(TNFRSF11A):c.1349G>A (p.Arg450Gln)

Gene: TNFRSF11A (TNF receptor superfamily member 11a; plus strand). Cytogenetic location: 18q21.33.
Variant type: single nucleotide variant.
Coding change: c.1349G>A on transcript NM_003839.4 (MANE Select); coding-DNA position 1349, G replaced by A.
Protein change: p.Arg450Gln; replaces arginine 450 with glutamine.
Molecular consequence: missense variant. On other transcripts: intron variant (3).
Genome position (GRCh38, 1-based): chr18:62,369,266, G>A. VCF-style: chr18-62369266-G-A. GRCh37 (hg19) VCF-style: chr18-60036499-G-A.
Other names: c.1307G>A, p.Arg436Gln (NM_001278268.2); c.783+2506G>A (NM_001270949.2); c.730+7473G>A (NM_001270950.2); c.616+9217G>A (NM_001270951.2); short protein forms R450Q, R436Q.
Identifiers: ClinVar variation 2168845 (VCV002168845.3), dbSNP rs760995590, ClinGen allele CA8983951.
Genomic context (GRCh38, chr18:62,369,266, plus strand): 5'-ATTGCCCGCACTGGGCAGCCAGCCCCAGCCCCAACTGGGCAGATGTCTGCACAGGCTGCC[G>A]GAACCCTCCTGGGGAGGACTGTGAACCCCTCGTGGGTTCCCCAAAACGTGGACCCTTGCC-3'
Protein context (NP_003830.1, residues 440-460): PNWADVCTGC[Arg450Gln]NPPGEDCEPL